The following is an entry in ClinVar:

ClinVar aggregate classification (germline): Benign/Likely benign. Review status: criteria provided, multiple submitters, no conflicts (2 of 4 stars). 4 submissions from 4 submitters: Benign (1); Likely benign (3). Last evaluated 2021-08-24.

Conditions:
Glucocorticoid deficiency 2 (GCCD2). Also called: FAMILIAL GLUCOCORTICOID DEFICIENCY 2. Identifiers: Orphanet 361, MedGen C4049714, MONDO:0011826, OMIM 607398.

Allele frequency attached by ClinVar (database versions not stated): 1000 Genomes Project 0.00819; 1000 Genomes Project 30x 0.00859; gnomAD 0.01114 and 0.01215; TOPMed 0.01300; ESP Exome Variant Server 0.01430.
gnomAD v4.1: 3,562 of 1,614,060 alleles (0.22%); highest among the groups gnomAD compares: African/African-American, 4.1%; 67 homozygotes.

Submissions (4):

Fulgent Genetics
Classification: Likely benign for Glucocorticoid deficiency 2. Last evaluated: 2021-08-24. Review status: criteria provided, single submitter. Criteria: ACMG Guidelines, 2015. Collection method: clinical testing. Allele origin: unknown.

Labcorp Genetics (formerly Invitae), Labcorp
Classification: Benign. Last evaluated: 2019-12-31. Review status: criteria provided, single submitter. Criteria: Invitae Variant Classification Sherloc (09022015). Collection method: clinical testing. Allele origin: germline.

Illumina Laboratory Services, Illumina
Classification: Likely benign for Glucocorticoid deficiency 2. Last evaluated: 2017-04-27. Review status: criteria provided, single submitter. Criteria: ICSL Variant Classification Criteria 13 December 2019. Collection method: clinical testing. Allele origin: germline.
Comment: This variant was observed as part of a predisposition screen in an ostensibly healthy population. A literature search was performed for the gene, cDNA change, and amino acid change (where applicable). No publications were found based on this search. Allele frequency data from public databases allowed determination this variant is unlikely to cause disease. Therefore, this variant is classified as likely benign.

Breakthrough Genomics
Classification: Likely benign. Review status: criteria provided, single submitter. Criteria: ACMG Guidelines, 2015. Collection method: not provided. Allele origin: germline. Inheritance: Autosomal recessive inheritance. Affected: yes.

NM_001379228.1(MRAP):c.148G>A (p.Val50Met)

Genes: MRAP-AS1 (MRAP antisense RNA 1; minus strand), MRAP (melanocortin 2 receptor accessory protein; plus strand), LOC125418060 (Sharpr-MPRA regulatory region 333; plus strand). Cytogenetic location: 21q22.11.
Variant type: single nucleotide variant.
Coding change: c.148G>A on transcript NM_001379228.1 (MANE Select); coding-DNA position 148, G replaced by A.
Protein change: p.Val50Met; replaces valine 50 with methionine.
Molecular consequence: missense variant. On other transcripts: 5 prime UTR variant (1).
Genome position (GRCh38, 1-based): chr21:32,306,681, G>A. VCF-style: chr21-32306681-G-A. GRCh37 (hg19) VCF-style: chr21-33678992-G-A.
Other names: c.-30G>A (NM_001285394.2); c.148G>A, p.Val50Met (NM_178817.4, NM_206898.2); short protein forms V50M.
Identifiers: ClinVar variation 339678 (VCV000339678.11), dbSNP rs75858661, ClinGen allele CA10000966.